The following is an entry in ClinVar:

NM_001267550.2(TTN):c.5742G>A (p.Ala1914=)

Gene: TTN (titin; minus strand). Cytogenetic location: 2q31.2.
Variant type: single nucleotide variant.
Coding change: c.5742G>A on transcript NM_001267550.2 (MANE Select); coding-DNA position 5742, G replaced by A.
Protein change: p.Ala1914=; no amino-acid change (alanine 1914 retained).
Molecular consequence: synonymous variant.
Genome position (GRCh38, 1-based): chr2:178,776,122, C>T on the plus strand (G>A on the coding strand, the complement: TTN is on the minus strand). VCF-style: chr2-178776122-C-T. GRCh37 (hg19) VCF-style: chr2-179640849-C-T.
Other names: p.Ala1914=; c.5604G>A, p.Ala1868= (NM_003319.4, NM_133432.3, NM_133437.4); c.5742G>A, p.Ala1914= (NM_133378.4, NM_133379.5, NM_001256850.1).
Identifiers: ClinVar variation 516080 (VCV000516080.47), dbSNP rs368719553, ClinGen allele CA2005143.

ClinVar aggregate classification (germline): Likely benign. Review status: criteria provided, multiple submitters, no conflicts (2 of 4 stars). 9 submissions from 9 submitters: Likely benign (6). 3 of the submissions do not count toward it. Last evaluated 2026-02-01.

Conditions:
Cardiovascular phenotype. Identifiers: MedGen CN230736.
Dilated cardiomyopathy 1G (CMD1G). Identifiers: Orphanet 154, MedGen C1858763, MONDO:0011400, OMIM 604145.
Autosomal recessive limb-girdle muscular dystrophy type 2J (LGMDR10). Also called: MUSCULAR DYSTROPHY, LIMB-GIRDLE, AUTOSOMAL RECESSIVE 10; Limb-girdle muscular dystrophy, type 2J. Identifiers: Orphanet 140922, MedGen C1837342, MONDO:0012127, OMIM 608807.
TTN-related disorder. Also called: TTN-related condition; TTN-related disease; TTN-related disorders.

Allele frequency attached by ClinVar (database versions not stated): ExAC 0.00005; gnomAD exomes 0.00006 and 0.00008; ESP Exome Variant Server 0.00008; TOPMed 0.00008; gnomAD 0.00011 and 0.00013; 1000 Genomes Project 30x 0.00016; 1000 Genomes Project 0.00020.

Submissions (9):

Labcorp Genetics (formerly Invitae), Labcorp
Classification: Likely benign for Dilated cardiomyopathy 1G; Autosomal recessive limb-girdle muscular dystrophy type 2J. Last evaluated: 2026-02-01. Review status: criteria provided, single submitter. Criteria: Invitae Variant Classification Sherloc (09022015). Collection method: clinical testing. Allele origin: germline.

PreventionGenetics, part of Exact Sciences
Classification: Likely benign for TTN-related condition. Last evaluated: 2025-07-23. Review status: criteria provided, single submitter. Criteria: ACMG Guidelines, 2015. Collection method: clinical testing. Allele origin: germline.
Comment: This variant is classified as likely benign based on ACMG/AMP sequence variant interpretation guidelines (Richards et al. 2015 PMID: 25741868, with internal and published modifications).

Mayo Clinic Laboratories, Mayo Clinic
Classification: Likely benign. Last evaluated: 2025-04-09. Review status: criteria provided, single submitter. Criteria: ACMG Guidelines, 2015. Collection method: clinical testing. Allele origin: germline. Observed: 1 variant allele.
Comment: BP4, BP7

CeGaT Center for Human Genetics Tuebingen
Classification: Likely benign. Last evaluated: 2022-10-01. Review status: criteria provided, single submitter. Criteria: CeGaT Center For Human Genetics Tuebingen Variant Classification Criteria Version 2. Collection method: clinical testing. Allele origin: germline. Affected: yes. Observed: 1 variant allele.
Comment: TTN: BP4, BP7

Ambry Genetics
Classification: Likely benign for Cardiovascular phenotype. Last evaluated: 2021-05-07. Review status: criteria provided, single submitter. Criteria: Ambry Variant Classification Scheme 2023. Collection method: clinical testing. Allele origin: germline.

GeneDx
Classification: Likely benign. Last evaluated: 2019-04-02. Review status: criteria provided, single submitter. Criteria: GeneDx Variant Classification Process June 2021. Collection method: clinical testing. Allele origin: germline. Affected: yes.

Clinical Genetics, Academic Medical Center
Classification: Benign. Review status: no assertion criteria provided. Collection method: clinical testing. Allele origin: germline. Affected: yes. Study: VKGL Data-share Consensus. Not counted in ClinVar's aggregate classification.

Diagnostic Laboratory, Department of Genetics, University Medical Center Groningen
Classification: Likely benign. Review status: no assertion criteria provided. Collection method: clinical testing. Allele origin: germline. Affected: yes. Study: VKGL Data-share Consensus. Not counted in ClinVar's aggregate classification.

Joint Genome Diagnostic Labs from Nijmegen and Maastricht, Radboudumc and MUMC+
Classification: Likely benign. Review status: no assertion criteria provided. Collection method: clinical testing. Allele origin: germline. Affected: yes. Study: VKGL Data-share Consensus. Not counted in ClinVar's aggregate classification.